The following is an entry in ClinVar:

ClinVar aggregate classification (germline): Uncertain significance. Review status: criteria provided, single submitter (1 of 4 stars). 2 submissions from 2 submitters: Uncertain significance (1). 1 of the submissions does not count toward it. Last evaluated 2024-09-04.

Conditions:
Combined immunodeficiency due to LRBA deficiency. Also called: Common variable immunodeficiency 8, with autoimmunity. Identifiers: Orphanet 445018, MedGen C3553512, MONDO:0013863, OMIM 614700.

Submissions (2):

Blueprint Genetics
Classification: Uncertain significance. Last evaluated: 2024-09-04. Review status: criteria provided, single submitter. Criteria: ACMG Guidelines, 2015. Collection method: clinical testing. Allele origin: germline.

Servicio de Inmunologia, Hospital Universitario Virgen del Rocio
Classification: Pathogenic for Combined immunodeficiency due to LRBA deficiency. Review status: no assertion criteria provided. Collection method: clinical testing. Allele origin: germline. Inheritance: Autosomal recessive inheritance. Affected: yes. Observed: 3 variant alleles, 2 heterozygotes, 1 homozygote. Not counted in ClinVar's aggregate classification.
Comment: The variant was absent from large population studies. In summary, the Ser1421Gly variant meets our criteria to be classified as pathogenic based upon segregation studies, absence from controls, and clinical evidence.

NM_001364905.1(LRBA):c.4261A>G (p.Ser1421Gly)

Gene: LRBA (LPS responsive beige-like anchor protein; minus strand). Cytogenetic location: 4q31.3.
Variant type: single nucleotide variant.
Coding change: c.4261A>G on transcript NM_001364905.1 (MANE Select); coding-DNA position 4261, A replaced by G.
Protein change: p.Ser1421Gly; replaces serine 1421 with glycine.
Molecular consequence: missense variant.
Genome position (GRCh38, 1-based): chr4:150,848,896, T>C on the plus strand (A>G on the coding strand, the complement: LRBA is on the minus strand). VCF-style: chr4-150848896-T-C. GRCh37 (hg19) VCF-style: chr4-151770048-T-C.
Other names: c.4261A>G, p.Ser1421Gly (NM_001199282.3, NM_001367550.1, NM_006726.5); short protein forms S1421G.
Identifiers: ClinVar variation 1177585 (VCV001177585.3), dbSNP rs2126905382, ClinGen allele CA358453080.